The following is an entry in ClinVar:

NM_017755.6(NSUN2):c.604A>G (p.Met202Val)

Gene: NSUN2 (NOP2/Sun RNA methyltransferase 2; minus strand). Cytogenetic location: 5p15.31.
Variant type: single nucleotide variant.
Coding change: c.604A>G on transcript NM_017755.6 (MANE Select); coding-DNA position 604, A replaced by G.
Protein change: p.Met202Val; replaces methionine 202 with valine.
Molecular consequence: missense variant.
Genome position (GRCh38, 1-based): chr5:6,622,034, T>C on the plus strand (A>G on the coding strand, the complement: NSUN2 is on the minus strand). VCF-style: chr5-6622034-T-C. GRCh37 (hg19) VCF-style: chr5-6622147-T-C.
Other names: c.499A>G, p.Met167Val (NM_001193455.2); short protein forms M202V, M167V.
Identifiers: ClinVar variation 1030592 (VCV001030592.1), dbSNP rs1737468532, ClinGen allele CA359126549.

ClinVar aggregate classification (germline): Uncertain significance (1 of 4 stars; one submission).

Conditions:
Intellectual developmental disorder, autosomal recessive 5. Also called: Intellectual disability, autosomal recessive 5. Identifiers: Orphanet 88616, MedGen C1970199, MONDO:0012613, OMIM 611091.

Submission:

Baylor Genetics
Classification: Uncertain significance for Intellectual developmental disorder, autosomal recessive 5. Last evaluated: 2019-08-17. Review status: criteria provided, single submitter. Criteria: ACMG Guidelines, 2015. Collection method: clinical testing. Allele origin: unknown. Affected: yes.
Comment: This variant was determined to be of uncertain significance according to ACMG Guidelines, 2015 [PMID:25741868].